The following is an entry in ClinVar:

NM_001378120.1(MBD5):c.1363G>A (p.Ala455Thr)

Gene: MBD5 (methyl-CpG binding domain protein 5; plus strand). Cytogenetic location: 2q23.1.
Variant type: single nucleotide variant.
Coding change: c.1363G>A on transcript NM_001378120.1 (MANE Select); coding-DNA position 1363, G replaced by A.
Protein change: p.Ala455Thr; replaces alanine 455 with threonine.
Molecular consequence: missense variant.
Genome position (GRCh38, 1-based): chr2:148,469,306, G>A. VCF-style: chr2-148469306-G-A. GRCh37 (hg19) VCF-style: chr2-149226875-G-A.
Other names: c.1363G>A, p.Ala455Thr (NM_018328.5); short protein forms A455T.
Identifiers: ClinVar variation 1679104 (VCV001679104.12), dbSNP rs2105632032, ClinGen allele CA348719534.

ClinVar aggregate classification (germline): Uncertain significance. Review status: criteria provided, multiple submitters, no conflicts (2 of 4 stars). 2 submissions from 2 submitters: Uncertain significance (2). Last evaluated 2022-08-02.

Conditions:
Intellectual developmental disorder, autosomal dominant 1. Also called: Intellectual disability, autosomal dominant 1; MBD5 Haploinsufficiency. Identifiers: Orphanet 228402, MedGen C1969562, MONDO:0007974, OMIM 156200.
Complex neurodevelopmental disorder. Identifiers: Orphanet 528084, MedGen C5568766, MONDO:0100038.

Submissions (2):

Labcorp Genetics (formerly Invitae), Labcorp
Classification: Uncertain significance for Intellectual developmental disorder, autosomal dominant 1. Last evaluated: 2022-08-02. Review status: criteria provided, single submitter. Criteria: Invitae Variant Classification Sherloc (09022015). Collection method: clinical testing. Allele origin: germline.
Comment: This sequence change replaces alanine, which is neutral and non-polar, with threonine, which is neutral and polar, at codon 455 of the MBD5 protein (p.Ala455Thr). This variant is not present in population databases (gnomAD no frequency). This variant has not been reported in the literature in individuals affected with MBD5-related conditions. ClinVar contains an entry for this variant (Variation ID: 1679104). Algorithms developed to predict the effect of missense changes on protein structure and function (SIFT, PolyPhen-2, Align-GVGD) all suggest that this variant is likely to be disruptive. In summary, the available evidence is currently insufficient to determine the role of this variant in disease. Therefore, it has been classified as a Variant of Uncertain Significance.

Seattle Children's Hospital Molecular Genetics Laboratory, Seattle Children's Hospital
Classification: Uncertain significance. Last evaluated: 2020-09-01. Review status: criteria provided, single submitter. Criteria: ACMG Guidelines, 2015. Collection method: clinical testing. Allele origin: paternal. Affected: yes.
Comment: The p.Ala455Thr substitutes the alanine with threonine at position 455. This variant has not been observed in large population studies (Genome Aggregation Database v2.1.1). To our knowledge, this variant has also not been reported in the medical literature or ClinVar database in clinically affected individuals. The Ala455 residue is well conserved across species. In silico tools have conflicting predictions about the possible impact of the p.Ala455Thr change on protein function; some predict this change is benign (FATHMM, MVP, Mutation assessor), while others predict this change is damaging (MutationTaster, LRT, DANN).